The following is an entry in ClinVar:

ClinVar aggregate classification (germline): Uncertain significance (1 of 4 stars; one submission).

Conditions:
Idiopathic generalized epilepsy. Also called: EIG; Generalised epilepsy. Identifiers: MedGen C0270850, MONDO:0005579, OMIM 600669.
Hyperaldosteronism, familial, type IV (HALD4). Also called: FH IV; ALDOSTERONISM, PRIMARY, AND HYPERTENSION. Identifiers: Orphanet 642671, MedGen C4310756, MONDO:0014875, OMIM 617027.

Submission:

Labcorp Genetics (formerly Invitae), Labcorp
Classification: Uncertain significance for Idiopathic generalized epilepsy; Hyperaldosteronism, familial, type IV. Last evaluated: 2019-02-20. Review status: criteria provided, single submitter. Criteria: Invitae Variant Classification Sherloc (09022015). Collection method: clinical testing. Allele origin: germline.
Comment: This variant results in a copy number gain of the genomic region encompassing exons 28-35 of the CACNA1H gene. The 5' boundary is likely confined to intron 27. The 3' end of this event is unknown as it extends beyond the assayed region for this gene and therefore may encompass additional genes. As the precise location of this event is unknown, it may be in tandem or it may be located elsewhere in the genome. This variant has not been reported in the literature in individuals with CACNA1H-related conditions. In summary, the available evidence is currently insufficient to determine the role of this variant in disease. Therefore, it has been classified as a Variant of Uncertain Significance.

NC_000016.10:g.(?_1214952)_(1221014_?)dup

Gene: CACNA1H (calcium voltage-gated channel subunit alpha1 H; plus strand). Cytogenetic location: 16p13.3.
Variant type: Duplication.
Identifiers: ClinVar variation 833406 (VCV000833406.1).